The following is an entry in ClinVar:

NM_000069.3(CACNA1S):c.3266T>A (p.Val1089Glu)

Gene: CACNA1S (calcium voltage-gated channel subunit alpha1 S; minus strand). Cytogenetic location: 1q32.1.
Variant type: single nucleotide variant.
Coding change: c.3266T>A on transcript NM_000069.3 (MANE Select); coding-DNA position 3266, T replaced by A.
Protein change: p.Val1089Glu; replaces valine 1089 with glutamic acid.
Molecular consequence: missense variant.
Genome position (GRCh38, 1-based): chr1:201,060,806, A>T on the plus strand (T>A on the coding strand, the complement: CACNA1S is on the minus strand). VCF-style: chr1-201060806-A-T. GRCh37 (hg19) VCF-style: chr1-201029934-A-T.
Other names: short protein forms V1089E.
Identifiers: ClinVar variation 3073091 (VCV003073091.2), dbSNP rs1360408890, ClinGen allele CA344161166.

ClinVar aggregate classification (germline): Uncertain significance (1 of 4 stars; one submission).

Conditions:
Malignant hyperthermia, susceptibility to, 5 (MHS5). Also called: CACNA1S-Related Malignant Hyperthermia Susceptibility. Identifiers: Orphanet 423, MedGen C1866077, MONDO:0011163, OMIM 601887.

Allele frequency attached by ClinVar (database versions not stated): gnomAD exomes below 0.00001.
gnomAD v4.1: 3 of 1,614,178 alleles (0.00019%); highest among the groups gnomAD compares: Non-Finnish European, 0.00025%; no homozygotes.

Submission:

All of Us Research Program, National Institutes of Health
Classification: Uncertain significance for Malignant hyperthermia, susceptibility to, 5. Last evaluated: 2024-09-02. Review status: criteria provided, single submitter. Criteria: ACMG Guidelines, 2015. Collection method: clinical testing. Allele origin: germline. Inheritance: Autosomal dominant inheritance. Observed: 3 variant alleles, 3 heterozygotes.
Comment: This missense variant replaces valine with glutamic acid at codon 1089 of the CACNA1S protein. Computational prediction suggests that this variant may have deleterious impact on protein structure and function (internally defined REVEL score threshold >= 0.7, PMID: 27666373). To our knowledge, functional studies have not been reported for this variant. This variant has not been reported in individuals affected with CACNA1S-related disorders in the literature. This variant has not been identified in the general population by the Genome Aggregation Database (gnomAD). The available evidence is insufficient to determine the role of this variant in disease conclusively. Therefore, this variant is classified as a Variant of Uncertain Significance.

This study involves interpretation of variants in research participants for the purpose of population health screening. Participant phenotype was not available at the time of variant classification. Additional details can be found in publication PMID: 35346344, PMCID: PMC8962531